The following is an entry in ClinVar:

ClinVar aggregate classification (germline): Uncertain significance. Review status: criteria provided, multiple submitters, no conflicts (2 of 4 stars). 2 submissions from 2 submitters: Uncertain significance (2). Last evaluated 2025-08-18.

Submissions (2):

Dasa
Classification: Uncertain significance. Last evaluated: 2025-08-18. Review status: criteria provided, single submitter. Criteria: DASA Assertion Criteria. Collection method: clinical testing. Allele origin: germline.
Comment: NM_000494.4(COL17A1):c.4477del (p.Ile1493Leufs*19) is a frameshift variant in COL17A1 predicted to alter the reading frame and introduce a premature termination codon and is predicted to result in an absent or altered protein product. This variant is rare in population databases. The currently available literature and clinical evidence are not sufficient to establish a definitive association between this variant and the reported condition. Therefore, this variant is classified as a variant of uncertain significance.

Blueprint Genetics
Classification: Uncertain significance. Last evaluated: 2022-09-28. Review status: criteria provided, single submitter. Criteria: ACMG Guidelines, 2015. Collection method: clinical testing. Allele origin: germline.

NM_000494.4(COL17A1):c.4477del (p.Ile1493fs)

Gene: COL17A1 (collagen type XVII alpha 1 chain; minus strand). Cytogenetic location: 10q25.1.
Variant type: Deletion.
Coding change: c.4477del on transcript NM_000494.4 (MANE Select); coding-DNA position 4477, one base deleted (A; older notation c.4477delA).
Protein change: p.Ile1493fs; shifts the reading frame from isoleucine 1493.
Molecular consequence: frameshift variant.
Genome position (GRCh38, 1-based): chr10:104,032,252, T deleted on the plus strand (A on the coding strand, the reverse complement: COL17A1 is on the minus strand). VCF-style (leftmost placement, unchanged base first): chr10-104032251-AT-A. GRCh37 (hg19) VCF-style: chr10-105792009-AT-A.
Other names: short protein forms I1493fs.
Identifiers: ClinVar variation 4886275 (VCV004886275.3).